The following is an entry in ClinVar:

ClinVar aggregate classification (germline): Likely benign (1 of 4 stars; one submission).

Conditions:
Inflammatory bowel disease 28. Also called: Inflammatory bowel disease 28, early onset, autosomal recessive. Identifiers: Orphanet 238569, MedGen C2751053, MONDO:0013153, OMIM 613148.

Allele frequency attached by ClinVar (database versions not stated): gnomAD 0.00123 and 0.00137; gnomAD exomes 0.00139 and 0.00341; ExAC 0.00167; TOPMed 0.00195; 1000 Genomes Project 0.00280; 1000 Genomes Project 30x 0.00312.
gnomAD v4.1: 1,109 of 808,300 alleles (0.14%); highest among the groups gnomAD compares: East Asian, 1.3%; 13 homozygotes.

Submission:

Illumina Laboratory Services, Illumina
Classification: Likely benign for Inflammatory bowel disease 28. Last evaluated: 2018-01-13. Review status: criteria provided, single submitter. Criteria: ICSL Variant Classification Criteria 13 December 2019. Collection method: clinical testing. Allele origin: germline.
Comment: This variant was observed in the ICSL laboratory as part of a predisposition screen in an ostensibly healthy population. It had not been previously curated by ICSL or reported in the Human Gene Mutation Database (HGMD: prior to June 1st, 2018), and was therefore a candidate for classification through an automated scoring system. Utilizing variant allele frequency, disease prevalence and penetrance estimates, and inheritance mode, an automated score was calculated to assess if this variant is too frequent to cause the disease. Based on the score and internal cut-off values, a variant classified as likely benign is not then subjected to further curation. The score for this variant resulted in a classification of likely benign for this disease.

NM_001558.4(IL10RA):c.*133C>T

Gene: IL10RA (interleukin 10 receptor subunit alpha; plus strand). Cytogenetic location: 11q23.3.
Variant type: single nucleotide variant.
Coding change: c.*133C>T on transcript NM_001558.4 (MANE Select); 133 bases downstream of the stop codon, C replaced by T.
Molecular consequence: 3 prime UTR variant. On other transcripts: non-coding transcript variant (1).
Genome position (GRCh38, 1-based): chr11:117,999,774, C>T. VCF-style: chr11-117999774-C-T. GRCh37 (hg19) VCF-style: chr11-117870489-C-T.
Identifiers: ClinVar variation 302561 (VCV000302561.5), dbSNP rs752174, ClinGen allele CA6299257.